The following is an entry in ClinVar:

NM_021020.5(LZTS1):c.523G>A (p.Gly175Ser)

Gene: LZTS1 (leucine zipper tumor suppressor 1; minus strand). Cytogenetic location: 8p21.3.
Variant type: single nucleotide variant.
Coding change: c.523G>A on transcript NM_021020.5 (MANE Select); coding-DNA position 523, G replaced by A.
Protein change: p.Gly175Ser; replaces glycine 175 with serine.
Molecular consequence: missense variant.
Genome position (GRCh38, 1-based): chr8:20,253,408, C>T on the plus strand (G>A on the coding strand, the complement: LZTS1 is on the minus strand). VCF-style: chr8-20253408-C-T. GRCh37 (hg19) VCF-style: chr8-20110919-C-T.
Other names: c.523G>A, p.Gly175Ser (NM_001362884.2); short protein forms G175S.
Identifiers: ClinVar variation 3006330 (VCV003006330.3), dbSNP rs769191491, ClinGen allele CA4657502.
Genomic context (GRCh38, chr8:20,253,408, plus strand): 5'-GGTCCAGCTGGTAGCTGCTGCTGGTGCTGTGTGTGGGCAGGCTGGACATGGAGTTCCGGC[C>T]GGAGTCTGACAGCGCCCCAGAGCACAGGCCAGGCTTCAGCTCCTGCTCCTTGGGCTTGTC-3'
Protein context (NP_066300.1, residues 165-185): GLCSGALSDS[Gly175Ser]RNSMSSLPTH

ClinVar aggregate classification (germline): Uncertain significance (1 of 4 stars; one submission).

Allele frequency attached by ClinVar (database versions not stated): ExAC 0.00001; gnomAD 0.00001; TOPMed 0.00001.
gnomAD v4.1: 4 of 1,611,624 alleles (0.00025%); highest among the groups gnomAD compares: East Asian, 0.0022%; no homozygotes.

Submission:

Labcorp Genetics (formerly Invitae), Labcorp
Classification: Uncertain significance. Last evaluated: 2024-12-26. Review status: criteria provided, single submitter. Criteria: Invitae Variant Classification Sherloc (09022015). Collection method: clinical testing. Allele origin: germline.
Comment: This sequence change replaces glycine, which is neutral and non-polar, with serine, which is neutral and polar, at codon 175 of the LZTS1 protein (p.Gly175Ser). This variant is present in population databases (rs769191491, gnomAD 0.01%). This variant has not been reported in the literature in individuals affected with LZTS1-related conditions. ClinVar contains an entry for this variant (Variation ID: 3006330). Invitae Evidence Modeling of protein sequence and biophysical properties (such as structural, functional, and spatial information, amino acid conservation, physicochemical variation, residue mobility, and thermodynamic stability) indicates that this missense variant is expected to disrupt LZTS1 protein function with a positive predictive value of 80%. In summary, the available evidence is currently insufficient to determine the role of this variant in disease. Therefore, it has been classified as a Variant of Uncertain Significance.